The following is an entry in ClinVar:

ClinVar aggregate classification (germline): Uncertain significance (1 of 4 stars; one submission).

Conditions:
Hereditary cancer-predisposing syndrome. Also called: Neoplastic Syndromes, Hereditary; Tumor predisposition; Hereditary Cancer Syndrome; Hereditary neoplastic syndrome. Identifiers: Orphanet 140162, MedGen C0027672, MeSH D009386, MONDO:0015356.

Submission:

Ambry Genetics
Classification: Uncertain significance for Hereditary cancer-predisposing syndrome. Last evaluated: 2025-11-07. Review status: criteria provided, single submitter. Criteria: Ambry Variant Classification Scheme 2023. Collection method: clinical testing. Allele origin: germline.
Comment: The c.4380_4381delGAinsCG variant (also known as p.E1460_I1461delinsDV), located in coding exon 29 of the ALK gene, results from an in-frame deletion of GA and insertion of CG at nucleotide positions 4380 to 4381. This results in the substitution of glutamate and isoleucine residues for aspartate and valine residues at codons 1460 and 1461. This amino acid region is poorly conserved in available vertebrate species. In addition, this variant is predicted to be neutral by in silico analysis (Choi Y et al. PLoS ONE. 2012; 7(10):e46688). Based on the available evidence, the clinical significance of this variant remains unclear.

NM_004304.5(ALK):c.4380_4381delinsCG (p.Glu1460_Ile1461delinsAspVal)

Gene: ALK (ALK receptor tyrosine kinase; minus strand). Cytogenetic location: 2p23.2.
Variant type: Indel.
Coding change: c.4380_4381delinsCG on transcript NM_004304.5 (MANE Select); coding-DNA positions 4380 to 4381, GA replaced by CG.
Protein change: p.Glu1460_Ile1461delinsAspVal.
Molecular consequence: missense variant.
Genome position (GRCh38, 1-based): chr2:29,193,706-29,193,707, TC replaced by CG on the plus strand (GA replaced by CG on the coding strand, the reverse complement: ALK is on the minus strand). VCF-style: chr2-29193706-TC-CG. GRCh37 (hg19) VCF-style: chr2-29416572-TC-CG.
Other names: c.1176_1177delinsCG, p.Glu392_Ile393delinsAspVal (NM_001353765.2); c.4380_4381delGAinsCG (NM_004304.4).
Identifiers: ClinVar variation 4669689 (VCV004669689.1).